The following is an entry in ClinVar:

ClinVar aggregate classification (germline): Uncertain significance (1 of 4 stars; one submission).

Conditions:
Emery-Dreifuss muscular dystrophy 5, autosomal dominant (EDMD5). Also called: EMERY-DREIFUSS MUSCULAR DYSTROPHY 5. Identifiers: Orphanet 261, MedGen C2751805, MONDO:0013072, OMIM 612999.

gnomAD v4.1: 1 of 1,614,098 alleles (0.000062%); no homozygotes.

Submission:

Labcorp Genetics (formerly Invitae), Labcorp
Classification: Uncertain significance for Emery-Dreifuss muscular dystrophy 5, autosomal dominant. Last evaluated: 2025-04-30. Review status: criteria provided, single submitter. Criteria: Invitae Variant Classification Sherloc (09022015). Collection method: clinical testing. Allele origin: germline.
Comment: This sequence change replaces isoleucine, which is neutral and non-polar, with valine, which is neutral and non-polar, at codon 274 of the SYNE2 protein (p.Ile274Val). This variant is not present in population databases (gnomAD no frequency). This variant has not been reported in the literature in individuals affected with SYNE2-related conditions. An algorithm developed to predict the effect of missense changes on protein structure and function (PolyPhen-2) suggests that this variant is likely to be disruptive. In summary, the available evidence is currently insufficient to determine the role of this variant in disease. Therefore, it has been classified as a Variant of Uncertain Significance.

NM_182914.3(SYNE2):c.820A>G (p.Ile274Val)

Gene: SYNE2 (spectrin repeat containing nuclear envelope protein 2; plus strand). Cytogenetic location: 14q23.2.
Variant type: single nucleotide variant.
Coding change: c.820A>G on transcript NM_182914.3 (MANE Select); coding-DNA position 820, A replaced by G.
Protein change: p.Ile274Val; replaces isoleucine 274 with valine.
Molecular consequence: missense variant.
Genome position (GRCh38, 1-based): chr14:63,961,557, A>G. VCF-style: chr14-63961557-A-G. GRCh37 (hg19) VCF-style: chr14-64428275-A-G.
Other names: c.820A>G, p.Ile274Val (NM_015180.6); short protein forms I274V.
Identifiers: ClinVar variation 4747895 (VCV004747895.1).